The following is an entry in ClinVar:

NM_001972.4(ELANE):c.779C>T (p.Pro260Leu)

Gene: ELANE (elastase, neutrophil expressed; plus strand). Cytogenetic location: 19p13.3.
Variant type: single nucleotide variant.
Coding change: c.779C>T on transcript NM_001972.4 (MANE Select); coding-DNA position 779, C replaced by T.
Protein change: p.Pro260Leu; replaces proline 260 with leucine.
Molecular consequence: missense variant.
Genome position (GRCh38, 1-based): chr19:856,139, C>T. VCF-style: chr19-856139-C-T. GRCh37 (hg19) VCF-style: chr19-856139-C-T.
Other names: short protein forms P260L.
Identifiers: ClinVar variation 2926000 (VCV002926000.5), dbSNP rs373765150, ClinGen allele CA9026163.

ClinVar aggregate classification (germline): Conflicting classifications of pathogenicity. Review status: criteria provided, conflicting classifications (1 of 4 stars). 2 submissions from 2 submitters: Uncertain significance (1); Likely benign (1). Last evaluated 2025-12-02.

Conditions:
Inborn genetic diseases. Identifiers: MedGen C0950123, MeSH D030342.
Neutropenia, severe congenital, 1, autosomal dominant. Identifiers: MedGen C1859966, MONDO:0042490, OMIM 202700.
Cyclical neutropenia. Also called: Cyclic hematopoiesis; Cyclic Neutropenia. Identifiers: Orphanet 2686, MedGen C0221023, MONDO:0008090, OMIM 162800, HP:0040289. Disease mechanism: loss of function.

Allele frequency attached by ClinVar (database versions not stated): gnomAD exomes 0.00001; ExAC 0.00002.
gnomAD v4.1: 10 of 1,612,896 alleles (0.00062%); highest among the groups gnomAD compares: East Asian, 0.011%; no homozygotes.

Submissions (2):

Ambry Genetics
Classification: Likely benign for Inborn genetic diseases. Last evaluated: 2025-12-02. Review status: criteria provided, single submitter. Criteria: Ambry Variant Classification Scheme 2023. Collection method: clinical testing. Allele origin: germline.

Labcorp Genetics (formerly Invitae), Labcorp
Classification: Uncertain significance for Neutropenia, severe congenital, 1, autosomal dominant; Cyclical neutropenia. Last evaluated: 2024-10-12. Review status: criteria provided, single submitter. Criteria: Invitae Variant Classification Sherloc (09022015). Collection method: clinical testing. Allele origin: germline.
Comment: This sequence change replaces proline, which is neutral and non-polar, with leucine, which is neutral and non-polar, at codon 260 of the ELANE protein (p.Pro260Leu). This variant is present in population databases (rs373765150, gnomAD 0.01%). This variant has not been reported in the literature in individuals affected with ELANE-related conditions. An algorithm developed to predict the effect of missense changes on protein structure and function outputs the following: PolyPhen-2: "Benign". The leucine amino acid residue is found in multiple mammalian species, which suggests that this missense change does not adversely affect protein function. In summary, the available evidence is currently insufficient to determine the role of this variant in disease. Therefore, it has been classified as a Variant of Uncertain Significance.